The following is an entry in ClinVar:

ClinVar aggregate classification (germline): Uncertain significance. Review status: criteria provided, multiple submitters, no conflicts (2 of 4 stars). 2 submissions from 2 submitters: Uncertain significance (2). Last evaluated 2025-06-03.

Conditions:
MHC class II deficiency. Also called: Bare lymphocyte syndrome 2; BLS, TYPE II. Identifiers: Orphanet 572, MedGen C5447452, MONDO:0008855.

Allele frequency attached by ClinVar (database versions not stated): gnomAD exomes below 0.00001; ExAC 0.00001.

Submissions (2):

Ambry Genetics
Classification: Uncertain significance. Last evaluated: 2025-06-03. Review status: criteria provided, single submitter. Criteria: Ambry Variant Classification Scheme 2023. Collection method: clinical testing. Allele origin: germline.

Labcorp Genetics (formerly Invitae), Labcorp
Classification: Uncertain significance for MHC class II deficiency. Last evaluated: 2023-10-03. Review status: criteria provided, single submitter. Criteria: Invitae Variant Classification Sherloc (09022015). Collection method: clinical testing. Allele origin: germline.
Comment: This sequence change replaces valine, which is neutral and non-polar, with aspartic acid, which is acidic and polar, at codon 346 of the RFX5 protein (p.Val346Asp). This variant is present in population databases (rs776636293, gnomAD 0.007%). This variant has not been reported in the literature in individuals affected with RFX5-related conditions. ClinVar contains an entry for this variant (Variation ID: 650540). An algorithm developed to predict the effect of missense changes on protein structure and function (PolyPhen-2) suggests that this variant is likely to be disruptive. In summary, the available evidence is currently insufficient to determine the role of this variant in disease. Therefore, it has been classified as a Variant of Uncertain Significance.

NM_001025603.2(RFX5):c.1037T>A (p.Val346Asp)

Gene: RFX5 (regulatory factor X5; minus strand). Cytogenetic location: 1q21.3.
Variant type: single nucleotide variant.
Coding change: c.1037T>A on transcript NM_001025603.2 (MANE Select); coding-DNA position 1037, T replaced by A.
Protein change: p.Val346Asp; replaces valine 346 with aspartic acid.
Molecular consequence: missense variant.
Genome position (GRCh38, 1-based): chr1:151,343,000, A>T on the plus strand (T>A on the coding strand, the complement: RFX5 is on the minus strand). VCF-style: chr1-151343000-A-T. GRCh37 (hg19) VCF-style: chr1-151315476-A-T.
Other names: c.1037T>A, p.Val346Asp (NM_000449.4, NM_001379412.1, NM_001379413.1 and 5 more transcripts); c.917T>A, p.Val306Asp (NM_001379419.1, NM_001379420.1); short protein forms V346D, V306D.
Identifiers: ClinVar variation 650540 (VCV000650540.11), dbSNP rs776636293, ClinGen allele CA1089678.